The following is an entry in ClinVar:

ClinVar aggregate classification (germline): Pathogenic (1 of 4 stars; one submission).

Conditions:
Hereditary cancer-predisposing syndrome. Also called: Neoplastic Syndromes, Hereditary; Tumor predisposition; Hereditary Cancer Syndrome; Hereditary neoplastic syndrome. Identifiers: Orphanet 140162, MedGen C0027672, MeSH D009386, MONDO:0015356.

Submission:

Ambry Genetics
Classification: Pathogenic for Hereditary cancer-predisposing syndrome. Last evaluated: 2017-09-06. Review status: criteria provided, single submitter. Criteria: Ambry Variant Classification Scheme 2023. Collection method: clinical testing. Allele origin: germline.
Comment: The c.3834delC variant, located in coding exon 9 of the MSH6 gene, results from a deletion of one nucleotide at nucleotide position 3834, causing a translational frameshift with a predicted alternate stop codon (p.S1279Afs*48). This alteration is expected to result in loss of function by premature protein truncation or nonsense-mediated mRNA decay. As such, this alteration is interpreted as a disease-causing mutation.

NM_000179.3(MSH6):c.3834del (p.Ser1279fs)

Gene: MSH6 (mutS homolog 6; plus strand). Cytogenetic location: 2p16.3.
Variant type: Deletion.
Coding change: c.3834del on transcript NM_000179.3 (MANE Select); coding-DNA position 3834, one base deleted (C; older notation c.3834delC).
Protein change: p.Ser1279fs; shifts the reading frame from serine 1279.
Molecular consequence: frameshift variant.
Genome position (GRCh38, 1-based): chr2:47,806,484, C deleted; the last of 4 consecutive C bases (chr2:47,806,481-47,806,484); deleting any one gives the same sequence. VCF-style (leftmost placement, unchanged base first): chr2-47806480-AC-A. GRCh37 (hg19) VCF-style: chr2-48033619-AC-A.
Other names: c.3444del, p.Ser1149fs (NM_001281492.2); c.2928del, p.Ser977fs (NM_001281493.2, NM_001281494.2); c.3930delC, p.Ser1311Alafs (NM_001406795.1); c.3834delC, p.Ser1279Alafs (NM_001406796.1, NM_001406808.1, NM_001406809.1); c.3537delC, p.Ser1180Alafs (NM_001406797.1, NM_001406801.1, NM_001406805.1 and 10 more transcripts); c.3660delC, p.Ser1221Alafs (NM_001406798.1); c.3309delC, p.Ser1104Alafs (NM_001406799.1, NM_001406806.1, NM_001406807.1); c.3821delC, p.Pro1274Glnfs (NM_001406800.1); and 9 more; short protein forms S1149fs, S1279fs, S977fs.
Identifiers: ClinVar variation 1735375 (VCV001735375.2), dbSNP rs2104553373, ClinGen allele CA2580067387.